The following is an entry in ClinVar:

NM_001329943.3(KIAA0586):c.100G>A (p.Val34Ile)

Gene: KIAA0586 (KIAA0586; plus strand). Cytogenetic location: 14q23.1.
Variant type: single nucleotide variant.
Coding change: c.100G>A on transcript NM_001329943.3 (MANE Select); coding-DNA position 100, G replaced by A.
Protein change: p.Val34Ile; replaces valine 34 with isoleucine.
Molecular consequence: missense variant. On other transcripts: intron variant (5).
Genome position (GRCh38, 1-based): chr14:58,428,364, G>A. VCF-style: chr14-58428364-G-A. GRCh37 (hg19) VCF-style: chr14-58895082-G-A.
Other names: c.136G>A, p.Val46Ile (NM_001244189.2); c.55G>A, p.Val19Ile (NM_001244190.2); c.100G>A, p.Val34Ile (NM_001329944.2, NM_001329946.2, NM_001329947.2 and 1 more transcripts); c.-57+727G>A (NM_001244192.2, NM_001244191.2); c.-57+551G>A (NM_001364701.2, NM_001329945.2, NM_001364700.1); c.100G>A (NM_014749.3); short protein forms V19I, V34I, V46I.
Identifiers: ClinVar variation 1059992 (VCV001059992.6), dbSNP rs186659284, ClinGen allele CA7205267.

ClinVar aggregate classification (germline): Conflicting classifications of pathogenicity. Review status: criteria provided, conflicting classifications (1 of 4 stars). 3 submissions from 3 submitters: Uncertain significance (2); Likely benign (1). Last evaluated 2024-07-30.

Conditions:
Joubert syndrome 23 (JBTS23). Identifiers: Orphanet 475, MedGen C4084822, MONDO:0014664, OMIM 616490.
Short-rib thoracic dysplasia 14 with polydactyly (SRTD14). Identifiers: Orphanet 397715, MedGen C4225286, MONDO:0014688, OMIM 616546.
Inborn genetic diseases. Identifiers: MedGen C0950123, MeSH D030342.

gnomAD v4.1: 51 of 1,613,964 alleles (0.0032%); highest among the groups gnomAD compares: Middle Eastern, 0.033%; no homozygotes.

Submissions (3):

Ambry Genetics
Classification: Uncertain significance for Inborn genetic diseases. Last evaluated: 2024-07-30. Review status: criteria provided, single submitter. Criteria: Ambry Variant Classification Scheme 2023. Collection method: clinical testing. Allele origin: germline.

Blueprint Genetics
Classification: Likely benign. Last evaluated: 2024-02-28. Review status: criteria provided, single submitter. Criteria: ACMG Guidelines, 2015. Collection method: clinical testing. Allele origin: germline.

Labcorp Genetics (formerly Invitae), Labcorp
Classification: Uncertain significance for Joubert syndrome 23; Short-rib thoracic dysplasia 14 with polydactyly. Last evaluated: 2023-11-19. Review status: criteria provided, single submitter. Criteria: Invitae Variant Classification Sherloc (09022015). Collection method: clinical testing. Allele origin: germline.
Comment: This sequence change replaces valine, which is neutral and non-polar, with isoleucine, which is neutral and non-polar, at codon 46 of the KIAA0586 protein (p.Val46Ile). This variant is present in population databases (rs186659284, gnomAD 0.004%). This variant has not been reported in the literature in individuals affected with KIAA0586-related conditions. ClinVar contains an entry for this variant (Variation ID: 1059992). Algorithms developed to predict the effect of missense changes on protein structure and function output the following: SIFT: "Not Available"; PolyPhen-2: "Benign"; Align-GVGD: "Not Available". The isoleucine amino acid residue is found in multiple mammalian species, which suggests that this missense change does not adversely affect protein function. In summary, the available evidence is currently insufficient to determine the role of this variant in disease. Therefore, it has been classified as a Variant of Uncertain Significance.